The following is an entry in ClinVar:

NM_000264.5(PTCH1):c.18C>A (p.Asn6Lys)

Genes: PTCH1 (patched 1; minus strand), LOC130002133 (ATAC-STARR-seq lymphoblastoid silent region 20071; plus strand). Cytogenetic location: 9q22.32.
Variant type: single nucleotide variant.
Coding change: c.18C>A on transcript NM_000264.5 (MANE Select); coding-DNA position 18, C replaced by A.
Protein change: p.Asn6Lys; replaces asparagine 6 with lysine.
Molecular consequence: missense variant. On other transcripts: non-coding transcript variant (1), intron variant (3).
Genome position (GRCh38, 1-based): chr9:95,508,344, G>T on the plus strand (C>A on the coding strand, the complement: PTCH1 is on the minus strand). VCF-style: chr9-95508344-G-T. GRCh37 (hg19) VCF-style: chr9-98270626-G-T.
Other names: c.18C>A, p.Asn6Lys (NM_001354918.2); c.199-1745C>A (NM_001083603.3); c.4-1745C>A (NM_001083602.3, NM_001354919.2); c.18C>A (NM_000264.3); short protein forms N6K.
Identifiers: ClinVar variation 1007941 (VCV001007941.10), dbSNP rs878853848, ClinGen allele CA374121722.
Genomic context (GRCh38, chr9:95,508,344, plus strand): 5'-CCGTCCCGGGGCACCGATACAGCCGCTGCCGCCGCCGCCGCGGTCCTGGGGCTCGGCGGC[G>T]TTACCAGCCGAGGCCATGTTGCCGCCGCCGCCGCCGCCGCCGCGGGGACGGAGGCTTCCC-3'
Protein context (NP_000255.2, residues 1-16): MASAG[Asn6Lys]AAEPQDRGGG

ClinVar aggregate classification (germline): Uncertain significance. Review status: criteria provided, multiple submitters, no conflicts (2 of 4 stars). 2 submissions from 2 submitters: Uncertain significance (2). Last evaluated 2024-08-31.

Conditions:
Hereditary cancer-predisposing syndrome. Also called: Hereditary neoplastic syndrome; Neoplastic Syndromes, Hereditary; Tumor predisposition; Hereditary Cancer Syndrome. Identifiers: Orphanet 140162, MedGen C0027672, MeSH D009386, MONDO:0015356.
Gorlin syndrome. Also called: Nevoid Basal Cell Carcinoma Syndrome; Basal cell nevus syndrome. Identifiers: Orphanet 377, MedGen C0004779, MONDO:0007187.

gnomAD v4.1: 1 of 1,246,948 alleles (0.00008%); highest among the groups gnomAD compares: African/African-American, 0.0016%; no homozygotes.

Submissions (2):

Ambry Genetics
Classification: Uncertain significance for Hereditary cancer-predisposing syndrome. Last evaluated: 2024-08-31. Review status: criteria provided, single submitter. Criteria: Ambry Variant Classification Scheme 2023. Collection method: clinical testing. Allele origin: germline.
Comment: The p.N6K variant (also known as c.18C>A), located in coding exon 1 of the PTCH1 gene, results from a C to A substitution at nucleotide position 18. The asparagine at codon 6 is replaced by lysine, an amino acid with similar properties. This amino acid position is conserved. In addition, this alteration is predicted to be tolerated by in silico analysis. Based on the available evidence, the clinical significance of this variant remains unclear.

Labcorp Genetics (formerly Invitae), Labcorp
Classification: Uncertain significance for Gorlin syndrome. Last evaluated: 2022-08-09. Review status: criteria provided, single submitter. Criteria: Invitae Variant Classification Sherloc (09022015). Collection method: clinical testing. Allele origin: germline.
Comment: In summary, the available evidence is currently insufficient to determine the role of this variant in disease. Therefore, it has been classified as a Variant of Uncertain Significance. Advanced modeling of protein sequence and biophysical properties (such as structural, functional, and spatial information, amino acid conservation, physicochemical variation, residue mobility, and thermodynamic stability) performed at Invitae indicates that this missense variant is not expected to disrupt PTCH1 protein function. ClinVar contains an entry for this variant (Variation ID: 1007941). This variant has not been reported in the literature in individuals affected with PTCH1-related conditions. This variant is not present in population databases (gnomAD no frequency). This sequence change replaces asparagine, which is neutral and polar, with lysine, which is basic and polar, at codon 6 of the PTCH1 protein (p.Asn6Lys).